The following is an entry in ClinVar:

ClinVar aggregate classification (germline): Likely benign (1 of 4 stars; one submission).

Submission:

CeGaT Center for Human Genetics Tuebingen
Classification: Likely benign. Last evaluated: 2026-08-01. Review status: criteria provided, single submitter. Criteria: CeGaT Center For Human Genetics Tuebingen Variant Classification Criteria Version 2. Collection method: clinical testing. Allele origin: germline. Affected: yes. Observed: 1 variant allele.
Comment: UGDH: PM2:Supporting, BP4, BP7

NM_003359.4(UGDH):c.1473A>G (p.Lys491=)

Gene: UGDH (UDP-glucose 6-dehydrogenase; minus strand). Cytogenetic location: 4p14.
Variant type: single nucleotide variant.
Coding change: c.1473A>G on transcript NM_003359.4 (MANE Select); coding-DNA position 1473, A replaced by G.
Protein change: p.Lys491=; no amino-acid change (lysine 491 retained).
Molecular consequence: synonymous variant.
Genome position (GRCh38, 1-based): chr4:39,500,155, T>C on the plus strand (A>G on the coding strand, the complement: UGDH is on the minus strand). VCF-style: chr4-39500155-T-C. GRCh37 (hg19) VCF-style: chr4-39501775-T-C.
Other names: c.1272A>G, p.Lys424= (NM_001184700.2); c.1182A>G, p.Lys394= (NM_001184701.2).
Identifiers: ClinVar variation 5040702 (VCV005040702.1).